The following is an entry in ClinVar:

NM_201384.3(PLEC):c.8952C>T (p.Ala2984=)

Gene: PLEC (plectin; minus strand). Cytogenetic location: 8q24.3.
Variant type: single nucleotide variant.
Coding change: c.8952C>T on transcript NM_201384.3 (MANE Select); coding-DNA position 8952, C replaced by T.
Protein change: p.Ala2984=; no amino-acid change (alanine 2984 retained).
Molecular consequence: synonymous variant.
Genome position (GRCh38, 1-based): chr8:143,920,869, G>A on the plus strand (C>T on the coding strand, the complement: PLEC is on the minus strand). VCF-style: chr8-143920869-G-A. GRCh37 (hg19) VCF-style: chr8-144995037-G-A.
Other names: c.9033C>T, p.Ala3011= (NM_000445.5); c.8910C>T, p.Ala2970= (NM_201378.4); c.8886C>T, p.Ala2962= (NM_201379.3); c.9363C>T, p.Ala3121= (NM_201380.4); c.8856C>T, p.Ala2952= (NM_201381.3); c.8952C>T, p.Ala2984= (NM_201382.4); c.8964C>T, p.Ala2988= (NM_201383.3).
Identifiers: ClinVar variation 290450 (VCV000290450.15), dbSNP rs371672166, ClinGen allele CA4925127.
Genomic context (GRCh38, chr8:143,920,869, plus strand): 5'-CTCACCTCGCTGCAGCTGCTGGTAGAGCTCGCGGTCGATGACCCTGCTCTCCAGCAGCTC[G>A]GCGGCTGGCACCAGGCTGCGCAGGCCCTCAAAGCAAAGCCGGCCCTTCTGCTCCTGCTCC-3'
Protein context (NP_958786.1, residues 2974-2994): FEGLRSLVPA[Ala2984=]ELLESRVIDR

ClinVar aggregate classification (germline): Conflicting classifications of pathogenicity. Review status: criteria provided, conflicting classifications (1 of 4 stars). 3 submissions from 3 submitters: Uncertain significance (1); Likely benign (2). Last evaluated 2026-09-14.

Conditions:
PLEC-related disorder. Also called: PLEC-related condition; PLEC-related disorders.
Epidermolysis bullosa simplex 5C, with pyloric atresia (EBS5C). Also called: PLEC-Related Epidermolysis Bullosa with Pyloric Atresia; Epidermolysis bullosa simplex with pyloric atresia; PLEC1-Related Epidermolysis Bullosa with Pyloric Atresia. Identifiers: Orphanet 158684, MedGen C2677349, MONDO:0012807, OMIM 612138.
Epidermolysis bullosa simplex with nail dystrophy (EBS5D). Identifiers: MedGen C4225309, MONDO:0014661, OMIM 616487.
Autosomal recessive limb-girdle muscular dystrophy type 2Q (LGMDR17). Also called: MUSCULAR DYSTROPHY, LIMB-GIRDLE, AUTOSOMAL RECESSIVE 17. Identifiers: Orphanet 254361, MedGen C3150989, MONDO:0013390, OMIM 613723.
Epidermolysis bullosa simplex, Ogna type (EBS5A). Also called: Pidermolysis bullosa simplex 5A, Ogna type; EPIDERMOLYSIS BULLOSA SIMPLEX 5A, OGNA TYPE. Identifiers: Orphanet 79401, MedGen C0432317, MONDO:0007555, OMIM 131950.
Epidermolysis bullosa simplex 5B, with muscular dystrophy (EBS5B). Also called: EPIDERMOLYSIS BULLOSA SIMPLEX AND LIMB-GIRDLE MUSCULAR DYSTROPHY; Epidermolysis bullosa simplex with muscular dystrophy. Identifiers: Orphanet 257, MedGen C2931072, MONDO:0009181, OMIM 226670.

Allele frequency attached by ClinVar (database versions not stated): ExAC 0.00006; gnomAD 0.00006 and 0.00007; gnomAD exomes 0.00007 and 0.00011; TOPMed 0.00014; 1000 Genomes Project 30x 0.00016; 1000 Genomes Project 0.00020.
gnomAD v4.1: 131 of 1,610,410 alleles (0.0081%); highest among the groups gnomAD compares: East Asian, 0.054%; no homozygotes.

Submissions (3):

PreventionGenetics, part of Exact Sciences
Classification: Likely benign for PLEC-related condition. Last evaluated: 2026-09-14. Review status: criteria provided, single submitter. Criteria: ACMG Guidelines, 2015. Collection method: clinical testing. Allele origin: germline.
Comment: This variant is classified as likely benign based on ACMG/AMP sequence variant interpretation guidelines (Richards et al. 2015 PMID: 25741868, with internal and published modifications).

Labcorp Genetics (formerly Invitae), Labcorp
Classification: Likely benign for Autosomal recessive limb-girdle muscular dystrophy type 2Q; Epidermolysis bullosa simplex, Ogna type; Epidermolysis bullosa simplex with nail dystrophy; Epidermolysis bullosa simplex 5C, with pyloric atresia; Epidermolysis bullosa simplex 5B, with muscular dystrophy. Last evaluated: 2024-12-19. Review status: criteria provided, single submitter. Criteria: Invitae Variant Classification Sherloc (09022015). Collection method: clinical testing. Allele origin: germline.

Eurofins Ntd Llc (ga)
Classification: Uncertain significance. Last evaluated: 2016-09-20. Review status: criteria provided, single submitter. Criteria: EGL Classification Definitions 2015. Collection method: clinical testing. Allele origin: germline. Observed: 1 variant allele, 1 heterozygote.